The following is an entry in ClinVar:

NM_003664.5(AP3B1):c.1862C>G (p.Thr621Ser)

Gene: AP3B1 (adaptor related protein complex 3 subunit beta 1; minus strand). Cytogenetic location: 5q14.1.
Variant type: single nucleotide variant.
Coding change: c.1862C>G on transcript NM_003664.5 (MANE Select); coding-DNA position 1862, C replaced by G.
Protein change: p.Thr621Ser; replaces threonine 621 with serine.
Molecular consequence: missense variant.
Genome position (GRCh38, 1-based): chr5:78,128,136, G>C on the plus strand (C>G on the coding strand, the complement: AP3B1 is on the minus strand). VCF-style: chr5-78128136-G-C. GRCh37 (hg19) VCF-style: chr5-77423960-G-C.
Other names: c.1715C>G, p.Thr572Ser (NM_001271769.2); short protein forms T572S, T621S.
Identifiers: ClinVar variation 1062455 (VCV001062455.6), dbSNP rs796196281, ClinGen allele CA121089324.

ClinVar aggregate classification (germline): Uncertain significance (1 of 4 stars; one submission).

Conditions:
Hermansky-Pudlak syndrome 2 (HPS2). Also called: Platelet defects and oculocutaneous albinism. Identifiers: Orphanet 183678, Orphanet 79430, MedGen C1842362, MONDO:0011997, OMIM 608233.

Allele frequency attached by ClinVar (database versions not stated): gnomAD exomes below 0.00001 and 0.00001; TOPMed 0.00003; gnomAD 0.00004.
gnomAD v4.1: 10 of 1,610,052 alleles (0.00062%); highest among the groups gnomAD compares: African/African-American, 0.013%; no homozygotes.

Submission:

Labcorp Genetics (formerly Invitae), Labcorp
Classification: Uncertain significance for Hermansky-Pudlak syndrome 2. Last evaluated: 2022-04-17. Review status: criteria provided, single submitter. Criteria: Invitae Variant Classification Sherloc (09022015). Collection method: clinical testing. Allele origin: germline.
Comment: This sequence change replaces threonine, which is neutral and polar, with serine, which is neutral and polar, at codon 621 of the AP3B1 protein (p.Thr621Ser). This variant is present in population databases (rs796196281, gnomAD 0.008%). This variant has not been reported in the literature in individuals affected with AP3B1-related conditions. ClinVar contains an entry for this variant (Variation ID: 1062455). Algorithms developed to predict the effect of missense changes on protein structure and function (SIFT, PolyPhen-2, Align-GVGD) all suggest that this variant is likely to be tolerated. Algorithms developed to predict the effect of sequence changes on RNA splicing suggest that this variant may create or strengthen a splice site. In summary, the available evidence is currently insufficient to determine the role of this variant in disease. Therefore, it has been classified as a Variant of Uncertain Significance.